The following is an entry in ClinVar:

NM_004415.4(DSP):c.557_558del (p.His186fs)

Gene: DSP (desmoplakin; plus strand). Cytogenetic location: 6p24.3.
Variant type: Deletion.
Coding change: c.557_558del on transcript NM_004415.4 (MANE Select); coding-DNA positions 557 to 558, 2 bases deleted (AT; older notation c.557_558delAT).
Protein change: p.His186fs; shifts the reading frame from histidine 186.
Molecular consequence: frameshift variant.
Genome position (GRCh38, 1-based): chr6:7,559,360-7,559,361, AT deleted. VCF-style (leftmost placement, unchanged base first): chr6-7559359-CAT-C. GRCh37 (hg19) VCF-style: chr6-7559592-CAT-C.
Other names: c.557_558del, p.His186fs (NM_001008844.3, NM_001319034.2); c.557_558delAT, p.His186Argfs (NM_001406591.1); short protein forms H186fs.
Identifiers: ClinVar variation 1748369 (VCV001748369.2), dbSNP rs2533853924, ClinGen allele CA2580075365.

ClinVar aggregate classification (germline): Pathogenic (1 of 4 stars; one submission).

Conditions:
Cardiovascular phenotype. Identifiers: MedGen CN230736.

Submission:

Ambry Genetics
Classification: Pathogenic for Cardiovascular phenotype. Last evaluated: 2020-03-22. Review status: criteria provided, single submitter. Criteria: Ambry Variant Classification Scheme 2023. Collection method: clinical testing. Allele origin: germline.
Comment: The c.557_558delAT pathogenic mutation, located in coding exon 4 of the DSP gene, results from a deletion of two nucleotides at nucleotide positions 557 to 558, causing a translational frameshift with a predicted alternate stop codon (p.H186Rfs*4). Alterations in DSP that result in haploinsufficiency or protein truncation have been reported in patients with arrhythmogenic right ventricular cardiomyopathy (ARVC) and dilated cardiomyopathy (DCM) (Fressart V et al. Europace. 2010;12(6):861-8; Elliott P et al. Circ Cardiovasc Genet. 2010;3(4):314-22; Quarta G et al. Circulation. 2011;123(23):2701-9; Garcia-Pavia P et al. Heart. 2011;97(21):1744-52; Rasmussen TB et al. Clin Genet. 2013;84(1):20-30; Pugh TJ et al. Genet Med. 2014;16(8):601-8). This alteration is expected to result in loss of function by premature protein truncation or nonsense-mediated mRNA decay. As such, this alteration is interpreted as a disease-causing mutation.